The following is an entry in ClinVar:

NM_001195305.3(BBIP1):c.181C>G (p.Leu61Val)

Gene: BBIP1 (BBSome interacting protein 1; minus strand). Cytogenetic location: 10q25.2.
Variant type: single nucleotide variant.
Coding change: c.181C>G on transcript NM_001195305.3 (MANE Select); coding-DNA position 181, C replaced by G.
Protein change: p.Leu61Val; replaces leucine 61 with valine.
Molecular consequence: missense variant. On other transcripts: 3 prime UTR variant (1).
Genome position (GRCh38, 1-based): chr10:110,900,458, G>C on the plus strand (C>G on the coding strand, the complement: BBIP1 is on the minus strand). VCF-style: chr10-110900458-G-C. GRCh37 (hg19) VCF-style: chr10-112660216-G-C.
Other names: c.*26C>G (NM_001195304.2); c.181C>G, p.Leu61Val (NM_001195306.2); c.106C>G, p.Leu36Val (NM_001195307.2); c.115C>G, p.Leu39Val (NM_001243783.3); c.181C>G (NM_001195306.1); short protein forms L61V, L39V, L36V.
Identifiers: ClinVar variation 1359312 (VCV001359312.9), dbSNP rs950517725, ClinGen allele CA213246633.
Genomic context (GRCh38, chr10:110,900,458, plus strand): 5'-CTTGTTGGCGAATTGTATTCTGTGCTGCTTGATGCATTTTCTCTAGTTTTTCCAGAGTCA[G>C]AGATTTTAAGGGTAAAAGTTTGGGTTTACACAGCACCATTGTCATTATATCTTCCACAAA-3'
Protein context (NP_001182234.1, residues 51-71): CKPKLLPLKS[Leu61Val]TLEKLEKMHQ

ClinVar aggregate classification (germline): Uncertain significance. Review status: criteria provided, multiple submitters, no conflicts (2 of 4 stars). 2 submissions from 2 submitters: Uncertain significance (2). Last evaluated 2026-04-10.

Conditions:
BBIP1-related disorder. Also called: BBIP1-related condition.

Allele frequency attached by ClinVar (database versions not stated): gnomAD 0.00003 and 0.00004; gnomAD exomes 0.00003 and 0.00008; TOPMed 0.00005.
gnomAD v4.1: 113 of 1,535,680 alleles (0.0074%); highest among the groups gnomAD compares: Non-Finnish European, 0.0089%; no homozygotes.

Submissions (2):

PreventionGenetics, part of Exact Sciences
Classification: Uncertain significance for BBIP1-related condition. Last evaluated: 2026-04-10. Review status: criteria provided, single submitter. Criteria: ACMG Guidelines, 2015. Collection method: clinical testing. Allele origin: germline.
Comment: The BBIP1 c.181C>G variant is predicted to result in the amino acid substitution p.Leu61Val. To our knowledge, this variant has not been reported in the literature. This variant is reported in 0.0056% of alleles in individuals of European (Non-Finnish) descent in gnomAD. At this time, the clinical significance of this variant is uncertain due to the absence of conclusive functional and genetic evidence.

Labcorp Genetics (formerly Invitae), Labcorp
Classification: Uncertain significance. Last evaluated: 2023-03-12. Review status: criteria provided, single submitter. Criteria: Invitae Variant Classification Sherloc (09022015). Collection method: clinical testing. Allele origin: germline.
Comment: In summary, the available evidence is currently insufficient to determine the role of this variant in disease. Therefore, it has been classified as a Variant of Uncertain Significance. An algorithm developed to predict the effect of missense changes on protein structure and function (PolyPhen-2) suggests that this variant is likely to be disruptive. ClinVar contains an entry for this variant (Variation ID: 1359312). This variant has not been reported in the literature in individuals affected with BBIP1-related conditions. This variant is present in population databases (no rsID available, gnomAD 0.006%). This sequence change replaces leucine, which is neutral and non-polar, with valine, which is neutral and non-polar, at codon 61 of the BBIP1 protein (p.Leu61Val).